The following is an entry in ClinVar:

NM_021954.4(GJA3):c.563A>T (p.Asn188Ile)

Gene: GJA3 (gap junction protein alpha 3; minus strand). Cytogenetic location: 13q12.11.
Variant type: single nucleotide variant.
Coding change: c.563A>T on transcript NM_021954.4 (MANE Select); coding-DNA position 563, A replaced by T.
Protein change: p.Asn188Ile; replaces asparagine 188 with isoleucine.
Molecular consequence: missense variant.
Genome position (GRCh38, 1-based): chr13:20,142,726, T>A on the plus strand (A>T on the coding strand, the complement: GJA3 is on the minus strand). VCF-style: chr13-20142726-T-A. GRCh37 (hg19) VCF-style: chr13-20716865-T-A.
Other names: short protein forms N188I.
Identifiers: ClinVar variation 50943 (VCV000050943.2), dbSNP rs140332366, ClinGen allele CA214988.
Genomic context (GRCh38, chr13:20,142,726, plus strand): 5'-AGCATGAAGATGATGAAGATGGTCTTCTCCGTGGGCCTGGAGATGAAGCAGTCCACCGTG[T>A]TGGGGCAGGGCCAGCGGTCGCAGCGGTAGAGCGGCTTCAGCTCGAAGCCGTACAGAAAGT-3'
Protein context (NP_068773.2, residues 178-198): LYRCDRWPCP[Asn188Ile]TVDCFISRPT

ClinVar aggregate classification (germline): Uncertain significance. Review status: criteria provided, single submitter (1 of 4 stars). 2 submissions from 2 submitters: Uncertain significance (1). 1 of the submissions does not count toward it. Last evaluated 2023-01-21.

Conditions:
Cataract 14 multiple types. Also called: CATARACT 14, NUCLEAR PULVERULENT AND POSTERIOR POLAR; CATARACT 14, NUCLEAR CORALLIFORM; CATARACT 14, EMBRYONAL NUCLEAR; CATARACT 14, COPPOCK-LIKE; CATARACT 14, ZONULAR PULVERULENT; CATARACT 14, NUCLEAR PULVERULENT. Identifiers: Orphanet 91492, MedGen C1866078, MONDO:0011162, OMIM 601885.

Submissions (2):

Dept. Genetics and Cancer, Menzies Institute for Medical Research, University of Tasmania
Classification: Uncertain significance for Cataract 14 multiple types. Last evaluated: 2023-01-21. Review status: criteria provided, single submitter. Criteria: ACMG Guidelines, 2015. Collection method: curation. Allele origin: germline. Affected: yes.
Comment: Variant identified and curated during a GJA3 specific review of the literature in relation to pediatric or congenital cataract. ACMG-AMP criteria applied: PM2(Supporting), PM5(Supporting), PP1, PP3. Original variant report: PMID:22312188. The cataract phenotype reported for this variant is: Nuclear dense coralliform with fine blue dust-like opacities in cortical zone. Gene review and curation guidelines are outlined in: DOI 10.1080/17469899.2023.2160320

OMIM
Classification: Pathogenic for CATARACT 14, NUCLEAR CORALLIFORM. Last evaluated: 2012-01-01. Review status: no assertion criteria provided. Collection method: literature only. Allele origin: germline. Not counted in ClinVar's aggregate classification.

Literature cited by the submitters: PubMed 22312188 (cited by Dept. Genetics and Cancer, Menzies Institute for Medical Research, University of Tasmania and OMIM).